The following is an entry in ClinVar:

NM_001378778.1(MPDZ):c.2389del (p.Ser797fs)

Gene: MPDZ (multiple PDZ domain crumbs cell polarity complex component; minus strand). Cytogenetic location: 9p23.
Variant type: Deletion.
Coding change: c.2389del on transcript NM_001378778.1 (MANE Select); coding-DNA position 2389, one base deleted (T; older notation c.2389delT).
Protein change: p.Ser797fs; shifts the reading frame from serine 797.
Molecular consequence: frameshift variant.
Genome position (GRCh38, 1-based): chr9:13,186,362, A deleted on the plus strand (T on the coding strand, the reverse complement: MPDZ is on the minus strand); the first of 3 consecutive A bases (chr9:13,186,362-13,186,364); deleting any one gives the same sequence. VCF-style (leftmost placement, unchanged base first): chr9-13186361-GA-G. GRCh37 (hg19) VCF-style: chr9-13186360-GA-G.
Other names: c.2389del, p.Ser797fs (NM_001261406.2, NM_001261407.2, NM_001330637.2 and 14 more transcripts); short protein forms S797fs.
Identifiers: ClinVar variation 4770436 (VCV004770436.1).

ClinVar aggregate classification (germline): Pathogenic (1 of 4 stars; one submission).

Submission:

Labcorp Genetics (formerly Invitae), Labcorp
Classification: Pathogenic. Last evaluated: 2025-05-21. Review status: criteria provided, single submitter. Criteria: Invitae Variant Classification Sherloc (09022015). Collection method: clinical testing. Allele origin: germline.
Comment: This sequence change creates a premature translational stop signal (p.Ser797Leufs*39) in the MPDZ gene. It is expected to result in an absent or disrupted protein product. Loss-of-function variants in MPDZ are known to be pathogenic (PMID: 23240096, 28556411). This variant is not present in population databases (gnomAD no frequency). This variant has not been reported in the literature in individuals affected with MPDZ-related conditions. Algorithms developed to predict the effect of sequence changes on RNA splicing suggest that this variant may disrupt the consensus splice site. For these reasons, this variant has been classified as Pathogenic.

Literature cited by the submitters: PubMed 23240096; PubMed 28556411.